The following is an entry in ClinVar:

ClinVar aggregate classification (germline): Likely pathogenic (1 of 4 stars; one submission).

Conditions:
Neurodevelopmental disorder with cataracts, poor growth, and dysmorphic facies. Identifiers: MedGen C5231414, MONDO:0032817, OMIM 618571.

gnomAD v4.1: 16 of 1,544,444 alleles (0.001%); highest among the groups gnomAD compares: Non-Finnish European, 0.0012%; no homozygotes.

Submission:

OLLIN Analises Genomicas, OLLIN
Classification: Likely pathogenic for Neurodevelopmental disorder with cataracts, poor growth, and dysmorphic facies. Last evaluated: 2026-08-06. Review status: criteria provided, single submitter. Criteria: ACMG Guidelines 2015 PMID 25741868. Collection method: clinical testing. Allele origin: germline. Inheritance: Autosomal recessive inheritance.
Comment: This nonsense variant, located in exon 39 (of 48), has been observed in gnomAD with an allele frequency of 0.00104%, but has not been reported in ClinVar or identified in the literature. This variant introduces a premature stop codon, which is predicted to result in either a truncated protein or degradation of the mRNA via nonsense-mediated decay (NMD). According to the currently available evidence, this variant has been classified as likely pathogenic (PVS1, PM2_P).

NM_001080453.3(INTS1):c.5398C>T (p.Arg1800Ter)

Gene: INTS1 (integrator complex subunit 1; minus strand). Cytogenetic location: 7p22.3.
Variant type: single nucleotide variant.
Coding change: c.5398C>T on transcript NM_001080453.3 (MANE Select); coding-DNA position 5398, C replaced by T.
Protein change: p.Arg1800Ter; replaces arginine 1800 with a stop codon.
Molecular consequence: nonsense.
Genome position (GRCh38, 1-based): chr7:1,476,052, G>A on the plus strand (C>T on the coding strand, the complement: INTS1 is on the minus strand). VCF-style: chr7-1476052-G-A. GRCh37 (hg19) VCF-style: chr7-1515688-G-A.
Other names: short protein forms R1800*.
Identifiers: ClinVar variation 5002828 (VCV005002828.1).